The following is an entry in ClinVar:

NM_001267550.2(TTN):c.107319A>C (p.Thr35773=)

Genes: TTN-AS1 (TTN antisense RNA 1; plus strand), TTN (titin; minus strand). Cytogenetic location: 2q31.2.
Variant type: single nucleotide variant.
Coding change: c.107319A>C on transcript NM_001267550.2 (MANE Select); coding-DNA position 107319, A replaced by C.
Protein change: p.Thr35773=; no amino-acid change (threonine 35773 retained).
Molecular consequence: synonymous variant.
Genome position (GRCh38, 1-based): chr2:178,528,332, T>G on the plus strand (A>C on the coding strand, the complement: TTN is on the minus strand). VCF-style: chr2-178528332-T-G. GRCh37 (hg19) VCF-style: chr2-179393059-T-G.
Other names: c.102396A>C, p.Thr34132= (NM_001256850.1); c.80124A>C, p.Thr26708= (NM_003319.4); c.99615A>C, p.Thr33205= (NM_133378.4); c.80499A>C, p.Thr26833= (NM_133432.3); c.80700A>C, p.Thr26900= (NM_133437.4).
Identifiers: ClinVar variation 514088 (VCV000514088.1), dbSNP rs1553479126, ClinGen allele CA430234544.

ClinVar aggregate classification (germline): Likely benign (1 of 4 stars; one submission).

Submission:

GeneDx
Classification: Likely benign. Last evaluated: 2017-12-11. Review status: criteria provided, single submitter. Criteria: GeneDx Variant Classification (06012015). Collection method: clinical testing. Allele origin: germline. Affected: yes.
Comment: This variant is considered likely benign or benign based on one or more of the following criteria: it is a conservative change, it occurs at a poorly conserved position in the protein, it is predicted to be benign by multiple in silico algorithms, and/or has population frequency not consistent with disease.